The following is an entry in ClinVar:

NM_001457.4(FLNB):c.968T>G (p.Val323Gly)

Gene: FLNB (filamin B; plus strand). Cytogenetic location: 3p14.3.
Variant type: single nucleotide variant.
Coding change: c.968T>G on transcript NM_001457.4 (MANE Select); coding-DNA position 968, T replaced by G.
Protein change: p.Val323Gly; replaces valine 323 with glycine.
Molecular consequence: missense variant.
Genome position (GRCh38, 1-based): chr3:58,096,202, T>G. VCF-style: chr3-58096202-T-G. GRCh37 (hg19) VCF-style: chr3-58081929-T-G.
Other names: c.968T>G, p.Val323Gly (NM_001164317.2, NM_001164318.2, NM_001164319.2); short protein forms V323G.
Identifiers: ClinVar variation 1993431 (VCV001993431.4), dbSNP rs2471046576, ClinGen allele CA353335439.

ClinVar aggregate classification (germline): Uncertain significance (1 of 4 stars; one submission).

Submission:

Labcorp Genetics (formerly Invitae), Labcorp
Classification: Uncertain significance. Last evaluated: 2022-05-12. Review status: criteria provided, single submitter. Criteria: Invitae Variant Classification Sherloc (09022015). Collection method: clinical testing. Allele origin: germline.
Comment: In summary, the available evidence is currently insufficient to determine the role of this variant in disease. Therefore, it has been classified as a Variant of Uncertain Significance. Advanced modeling of protein sequence and biophysical properties (such as structural, functional, and spatial information, amino acid conservation, physicochemical variation, residue mobility, and thermodynamic stability) performed at Invitae indicates that this missense variant is not expected to disrupt FLNB protein function. This variant has not been reported in the literature in individuals affected with FLNB-related conditions. This variant is not present in population databases (gnomAD no frequency). This sequence change replaces valine, which is neutral and non-polar, with glycine, which is neutral and non-polar, at codon 323 of the FLNB protein (p.Val323Gly).